The following is an entry in ClinVar:

NM_020738.4(KIDINS220):c.4654G>A (p.Val1552Met)

Gene: KIDINS220 (kinase D interacting substrate 220; minus strand). Cytogenetic location: 2p25.1.
Variant type: single nucleotide variant.
Coding change: c.4654G>A on transcript NM_020738.4 (MANE Select); coding-DNA position 4654, G replaced by A.
Protein change: p.Val1552Met; replaces valine 1552 with methionine.
Molecular consequence: missense variant. On other transcripts: intron variant (6).
Genome position (GRCh38, 1-based): chr2:8,731,382, C>T on the plus strand (G>A on the coding strand, the complement: KIDINS220 is on the minus strand). VCF-style: chr2-8731382-C-T. GRCh37 (hg19) VCF-style: chr2-8871512-C-T.
Other names: c.4657G>A, p.Val1553Met (NM_001348729.2); c.4600G>A, p.Val1534Met (NM_001348731.2); c.4597G>A, p.Val1533Met (NM_001348732.2); c.4486G>A, p.Val1496Met (NM_001348734.2); c.4483G>A, p.Val1495Met (NM_001348735.2); c.4357G>A, p.Val1453Met (NM_001348736.2); c.3882+2062G>A (NM_001348741.2, NM_001348742.2, NM_001348743.2); c.3996+2062G>A (NM_001348738.2); and 1 more; short protein forms V1453M, V1495M, V1496M, V1533M, V1534M, V1552M, V1553M.
Identifiers: ClinVar variation 3377505 (VCV003377505.1).

ClinVar aggregate classification (germline): Uncertain significance (1 of 4 stars; one submission).

Conditions:
Spastic paraplegia, intellectual disability, nystagmus, and obesity. Also called: Spastic paraplegia, intellectual disability, nystagmus, and obesity;. Identifiers: Orphanet 521390, MedGen C4284592, MONDO:0015007, OMIM 617296.

Submission:

Victorian Clinical Genetics Services, Murdoch Childrens Research Institute
Classification: Uncertain significance for Spastic paraplegia, intellectual disability, nystagmus, and obesity. Last evaluated: 2022-09-02. Review status: criteria provided, single submitter. Criteria: ACMG Guidelines, 2015. Collection method: clinical testing. Allele origin: germline. Inheritance: Autosomal dominant inheritance. Affected: yes.
Comment: Based on the classification scheme VCGS_Germline_v1.3.4, this variant is classified as VUS-3C. Following criteria are met: 0102 - Loss of function is a known mechanism of disease in this gene and is associated with autosomal recessive ventriculomegaly and arthrogryposis (MIM#619501). The mechanism for autosomal dominant spastic paraplegia, intellectual disability, nystagmus, and obesity (MIM#617296) remains unknown. (I) 0108 - This gene is associated with both recessive and dominant disease. Variants associated with autosomal dominant spastic paraplegia, intellectual disability, nystagmus, and obesity (MIM#617296) are mostly protein truncating (PMID: 27005418). (I) 0200 - Variant is predicted to result in a missense amino acid change from valine to methionine. (I) 0251 - This variant is heterozygous. (I) 0301 - Variant is absent from gnomAD (both v2 and v3). (SP) 0309 - An alternative amino acid change at the same position has been observed in gnomAD (v2: 16 heterozygotes, 0 homozygotes). (I) 0503 - Missense variant consistently predicted to be tolerated by multiple in silico tools or not conserved in placental mammals with a minor amino acid change. (SB) 0604 - Variant is not located in an established domain, motif, hotspot or informative constraint region. (I) 0705 - No comparable missense variants have previous evidence for pathogenicity. (I) 0807 - This variant has no previous evidence of pathogenicity. (I) 0905 - No published segregation evidence has been identified for this variant. (I) 1007 - No published functional evidence has been identified for this variant. (I) 1208 - Inheritance information for this variant is not currently available in this individual. (I) Legend: (SP) - Supporting pathogenic, (I) - Information, (SB) - Supporting benign

Literature cited by the submitters: PubMed 27005418.